The following is an entry in ClinVar:

NM_000301.5(PLG):c.13G>A (p.Glu5Lys)

Gene: PLG (plasminogen; plus strand). Cytogenetic location: 6q26.
Variant type: single nucleotide variant.
Coding change: c.13G>A on transcript NM_000301.5 (MANE Select); coding-DNA position 13, G replaced by A.
Protein change: p.Glu5Lys; replaces glutamic acid 5 with lysine.
Molecular consequence: missense variant.
Genome position (GRCh38, 1-based): chr6:160,702,317, G>A. VCF-style: chr6-160702317-G-A. GRCh37 (hg19) VCF-style: chr6-161123349-G-A.
Other names: c.13G>A, p.Glu5Lys (NM_001168338.1); short protein forms E5K.
Identifiers: ClinVar variation 3609207 (VCV003609207.2).
Genomic context (GRCh38, chr6:160,702,317, plus strand): 5'-ATCCTGGGATTGGGACCCACTTTCTGGGCACTGCTGGCCAGTCCCAAAATGGAACATAAG[G>A]AAGTGGTTCTTCTACTTCTTTTATTTCTGAAATCAGGTAAGACATAGTTTTTTTAAATTA-3'
Protein context (NP_000292.1, residues 1-15): MEHK[Glu5Lys]VVLLLLLFLK

ClinVar aggregate classification (germline): Uncertain significance (1 of 4 stars; one submission).

Submission:

Labcorp Genetics (formerly Invitae), Labcorp
Classification: Uncertain significance. Last evaluated: 2024-12-08. Review status: criteria provided, single submitter. Criteria: Invitae Variant Classification Sherloc (09022015). Collection method: clinical testing. Allele origin: germline.
Comment: This sequence change replaces glutamic acid, which is acidic and polar, with lysine, which is basic and polar, at codon 5 of the PLG protein (p.Glu5Lys). This variant is not present in population databases (gnomAD no frequency). This variant has not been reported in the literature in individuals affected with PLG-related conditions. An algorithm developed to predict the effect of missense changes on protein structure and function outputs the following: PolyPhen-2: "Benign". The lysine amino acid residue is found in multiple mammalian species, which suggests that this missense change does not adversely affect protein function. In summary, the available evidence is currently insufficient to determine the role of this variant in disease. Therefore, it has been classified as a Variant of Uncertain Significance.